The following is an entry in ClinVar:

ClinVar aggregate classification (germline): Uncertain significance (1 of 4 stars; one submission).

Submission:

Labcorp Genetics (formerly Invitae), Labcorp
Classification: Uncertain significance. Last evaluated: 2023-03-09. Review status: criteria provided, single submitter. Criteria: Invitae Variant Classification Sherloc (09022015). Collection method: clinical testing. Allele origin: germline.
Comment: In summary, the available evidence is currently insufficient to determine the role of this variant in disease. Therefore, it has been classified as a Variant of Uncertain Significance. Experimental studies and prediction algorithms are not available or were not evaluated, and the functional significance of this variant is currently unknown. This variant has not been reported in the literature in individuals affected with CPLANE1-related conditions. This variant results in a copy number gain of the genomic region encompassing exon(s) 20-46 of the CPLANE1 gene. While the exact position of this variant cannot be determined from the data, sub-genic copy number gains are generally in tandem (PMID: 25640679). This variant is predicted to be in-frame, and likely preserves the integrity of the reading frame.

Literature cited by the submitters: PubMed 25640679.

NC_000005.9:g.(?_37125326)_(37198988_?)dup

Gene: CPLANE1 (ciliogenesis and planar polarity effector complex subunit 1; minus strand). Cytogenetic location: 5p13.2.
Variant type: Duplication.
Identifiers: ClinVar variation 2426793 (VCV002426793.4).